The following is an entry in ClinVar:

NM_001361.5(DHODH):c.*569G>A

Gene: DHODH (dihydroorotate dehydrogenase (quinone); plus strand). Cytogenetic location: 16q22.2.
Variant type: single nucleotide variant.
Coding change: c.*569G>A on transcript NM_001361.5 (MANE Select); 569 bases downstream of the stop codon, G replaced by A.
Molecular consequence: 3 prime UTR variant.
Genome position (GRCh38, 1-based): chr16:72,024,768, G>A. VCF-style: chr16-72024768-G-A. GRCh37 (hg19) VCF-style: chr16-72058667-G-A.
Identifiers: ClinVar variation 320448 (VCV000320448.6), dbSNP rs113365769, ClinGen allele CA10648046.

ClinVar aggregate classification (germline): Benign. Review status: criteria provided, multiple submitters, no conflicts (2 of 4 stars). 2 submissions from 2 submitters: Benign (2). Last evaluated 2018-01-13.

Conditions:
Miller syndrome (POADS). Also called: GENEE-WIEDEMANN SYNDROME; Genee-Wiedemann acrofacial dysostosis. Identifiers: Orphanet 246, MedGen C0265257, MONDO:0009903, OMIM 263750.

Allele frequency attached by ClinVar (database versions not stated): 1000 Genomes Project 30x 0.07495; 1000 Genomes Project 0.07648; TOPMed 0.09576; gnomAD 0.10579 and 0.10744.

Submissions (2):

Illumina Laboratory Services, Illumina
Classification: Benign for Miller syndrome. Last evaluated: 2018-01-13. Review status: criteria provided, single submitter. Criteria: ICSL Variant Classification Criteria 13 December 2019. Collection method: clinical testing. Allele origin: germline.
Comment: This variant was observed in the ICSL laboratory as part of a predisposition screen in an ostensibly healthy population. It had not been previously curated by ICSL or reported in the Human Gene Mutation Database (HGMD: prior to June 1st, 2018), and was therefore a candidate for classification through an automated scoring system. Utilizing variant allele frequency, disease prevalence and penetrance estimates, and inheritance mode, an automated score was calculated to assess if this variant is too frequent to cause the disease. Based on the score and internal cut-off values, a variant classified as benign is not then subjected to further curation. The score for this variant resulted in a classification of benign for this disease.

Breakthrough Genomics
Classification: Benign. Review status: criteria provided, single submitter. Criteria: ACMG Guidelines, 2015. Collection method: not provided. Allele origin: germline. Inheritance: Autosomal recessive inheritance. Affected: yes.